The following is an entry in ClinVar:

NM_001961.4(EEF2):c.2245A>G (p.Ile749Val)

Genes: EEF2 (eukaryotic translation elongation factor 2; minus strand), LOC130063169 (ATAC-STARR-seq lymphoblastoid active region 13746; plus strand). Cytogenetic location: 19p13.3.
Variant type: single nucleotide variant.
Coding change: c.2245A>G on transcript NM_001961.4 (MANE Select); coding-DNA position 2245, A replaced by G.
Protein change: p.Ile749Val; replaces isoleucine 749 with valine.
Molecular consequence: missense variant.
Genome position (GRCh38, 1-based): chr19:3,977,433, T>C on the plus strand (A>G on the coding strand, the complement: EEF2 is on the minus strand). VCF-style: chr19-3977433-T-C. GRCh37 (hg19) VCF-style: chr19-3977431-T-C.
Other names: short protein forms I749V.
Identifiers: ClinVar variation 2662094 (VCV002662094.1), dbSNP rs2512198869, ClinGen allele CA403389749.

ClinVar aggregate classification (germline): Uncertain significance (1 of 4 stars; one submission).

Submission:

GeneDx
Classification: Uncertain significance. Last evaluated: 2023-04-07. Review status: criteria provided, single submitter. Criteria: GeneDx Variant Classification Process June 2021. Collection method: clinical testing. Allele origin: germline. Affected: yes.
Comment: Not observed at significant frequency in large population cohorts (gnomAD); In silico analysis supports that this missense variant does not alter protein structure/function; Has not been previously published as pathogenic or benign to our knowledge